The following is an entry in ClinVar:

NM_001367624.2(ZNF469):c.7943T>C (p.Ile2648Thr)

Gene: ZNF469 (zinc finger protein 469; plus strand). Cytogenetic location: 16q24.2.
Variant type: single nucleotide variant.
Coding change: c.7943T>C on transcript NM_001367624.2 (MANE Select); coding-DNA position 7943, T replaced by C.
Protein change: p.Ile2648Thr; replaces isoleucine 2648 with threonine.
Molecular consequence: missense variant.
Genome position (GRCh38, 1-based): chr16:88,435,413, T>C. VCF-style: chr16-88435413-T-C. GRCh37 (hg19) VCF-style: chr16-88501821-T-C.
Other names: NM_001127464.1:c.7859T>C; short protein forms I2648T.
Identifiers: ClinVar variation 1760907 (VCV001760907.2), dbSNP rs1010647596, ClinGen allele CA286383279.
Genomic context (GRCh38, chr16:88,435,413, plus strand): 5'-AGGGGAAGTCAAATAAGAAAAGGGGAAAGCTGAGAGGGAGAAGGCTCCGGGAGGAGAGCA[T>C]TCTTCCAGTCTCTGCTGATGTGATTTCAGATGGGCGCGGCTCCAGACCATCCCCTGCAAT-3'
Protein context (NP_001354553.1, residues 2638-2658): LRGRRLREES[Ile2648Thr]LPVSADVISD

ClinVar aggregate classification (germline): Uncertain significance (1 of 4 stars; one submission).

Conditions:
Cardiovascular phenotype. Identifiers: MedGen CN230736.

Allele frequency attached by ClinVar (database versions not stated): gnomAD 0.00001; TOPMed 0.00002.
gnomAD v4.1: 2 of 1,550,146 alleles (0.00013%); highest among the groups gnomAD compares: African/African-American, 0.0027%; no homozygotes.

Submission:

Ambry Genetics
Classification: Uncertain significance for Cardiovascular phenotype. Last evaluated: 2021-10-11. Review status: criteria provided, single submitter. Criteria: Ambry Variant Classification Scheme 2023. Collection method: clinical testing. Allele origin: germline.
Comment: The p.I2620T variant (also known as c.7859T>C), located in coding exon 2 of the ZNF469 gene, results from a T to C substitution at nucleotide position 7859. The isoleucine at codon 2620 is replaced by threonine, an amino acid with similar properties. This amino acid position is conserved. In addition, this alteration is predicted to be tolerated by in silico analysis. Since supporting evidence is limited at this time, the clinical significance of this alteration remains unclear.